The following is an entry in ClinVar:

NM_014991.6(WDFY3):c.1000G>A (p.Asp334Asn)

Gene: WDFY3 (WD repeat and FYVE domain containing 3; minus strand). Cytogenetic location: 4q21.23.
Variant type: single nucleotide variant.
Coding change: c.1000G>A on transcript NM_014991.6 (MANE Select); coding-DNA position 1000, G replaced by A.
Protein change: p.Asp334Asn; replaces aspartic acid 334 with asparagine.
Molecular consequence: missense variant.
Genome position (GRCh38, 1-based): chr4:84,826,938, C>T on the plus strand (G>A on the coding strand, the complement: WDFY3 is on the minus strand). VCF-style: chr4-84826938-C-T. GRCh37 (hg19) VCF-style: chr4-85748091-C-T.
Other names: short protein forms D334N.
Identifiers: ClinVar variation 1704720 (VCV001704720.2), dbSNP rs1754951632, ClinGen allele CA357573609.
Genomic context (GRCh38, chr4:84,826,938, plus strand): 5'-CAGCTGGTTTTAGTTCACTGACACCATATGTTGTTAGGGAAGTTATCAGATTAACCAGAT[C>T]TTTCAAGGCATCTTTGGATTCTGCCTCTTTTGCTTGTTCCAATCTAGAAAAGTATGATTT-3'
Protein context (NP_055806.2, residues 324-344): KEAESKDALK[Asp334Asn]LVNLITSLTT

ClinVar aggregate classification (germline): Uncertain significance (1 of 4 stars; one submission).

Allele frequency attached by ClinVar (database versions not stated): gnomAD exomes below 0.00001.
gnomAD v4.1: 1 of 1,608,654 alleles (0.000062%); highest among the groups gnomAD compares: Middle Eastern, 0.017%; no homozygotes.

Submission:

GeneDx
Classification: Uncertain significance. Last evaluated: 2022-03-08. Review status: criteria provided, single submitter. Criteria: GeneDx Variant Classification Process June 2021. Collection method: clinical testing. Allele origin: germline. Affected: yes.
Comment: Not observed at significant frequency in large population cohorts (gnomAD); In silico analysis supports that this missense variant does not alter protein structure/function; Has not been previously published as pathogenic or benign to our knowledge